The following is an entry in ClinVar:

NM_004621.6(TRPC6):c.1510+102T>C

Gene: TRPC6 (transient receptor potential cation channel subfamily C member 6; minus strand). Cytogenetic location: 11q22.1.
Variant type: single nucleotide variant.
Coding change: c.1510+102T>C on transcript NM_004621.6 (MANE Select); 102 bases into the intron after coding-DNA position 1510, T replaced by C.
Molecular consequence: intron variant.
Genome position (GRCh38, 1-based): chr11:101,482,847, A>G on the plus strand (T>C on the coding strand, the complement: TRPC6 is on the minus strand). VCF-style: chr11-101482847-A-G. GRCh37 (hg19) VCF-style: chr11-101353578-A-G.
Identifiers: ClinVar variation 1683815 (VCV001683815.2), dbSNP rs137994188, ClinGen allele CA227518721.
Genomic context (GRCh38, chr11:101,482,847, plus strand): 5'-ACCCAAGGCAACTGTACTTTAGGAACACAAAGAAAATTATGATGTGTGGTGCACTGTATC[A>G]TGCTGCATACATTTGTATAACTGATGTGTGAAAGAATCAGTGTCATTCAGTCCAACTGCT-3'

ClinVar aggregate classification (germline): Likely benign (1 of 4 stars; one submission).

Allele frequency attached by ClinVar (database versions not stated): gnomAD exomes 0.00057; gnomAD 0.00547 and 0.00583; TOPMed 0.00597; 1000 Genomes Project 0.00679; 1000 Genomes Project 30x 0.00812.
gnomAD v4.1: 1,472 of 1,212,276 alleles (0.12%); highest among the groups gnomAD compares: African/African-American, 1.9%; 12 homozygotes.

Submission:

GeneDx
Classification: Likely benign. Last evaluated: 2021-05-23. Review status: criteria provided, single submitter. Criteria: GeneDx Variant Classification Process June 2021. Collection method: clinical testing. Allele origin: germline. Affected: yes.
Comment: See Variant Classification Assertion Criteria.